The following is an entry in ClinVar:

ClinVar aggregate classification (germline): Pathogenic/Likely pathogenic. Review status: criteria provided, multiple submitters, no conflicts (2 of 4 stars). 4 submissions from 4 submitters: Pathogenic (3); Likely pathogenic (1). Last evaluated 2026-07-17.

Conditions:
Hereditary cancer-predisposing syndrome. Also called: Hereditary neoplastic syndrome; Hereditary Cancer Syndrome; Neoplastic Syndromes, Hereditary; Tumor predisposition. Identifiers: Orphanet 140162, MedGen C0027672, MeSH D009386, MONDO:0015356.
Familial adenomatous polyposis 4 (FAP4). Also called: MSH3-related attenuated familial adenomatous polyposis. Identifiers: Orphanet 480536, MedGen C4310719, MONDO:0044300, OMIM 617100.

Submissions (4):

Ambry Genetics
Classification: Pathogenic for Hereditary cancer-predisposing syndrome. Last evaluated: 2026-07-17. Review status: criteria provided, single submitter. Criteria: Ambry Variant Classification Scheme 2023. Collection method: clinical testing. Allele origin: germline.
Comment: The p.Q731* pathogenic mutation (also known as c.2191C>T), located in coding exon 15 of the MSH3 gene, results from a C to T substitution at nucleotide position 2191. This changes the amino acid from a glutamine to a stop codon within coding exon 15. This variant is considered to be rare based on population cohorts in the Genome Aggregation Database (gnomAD). This alteration is expected to result in loss of function by premature protein truncation or nonsense-mediated mRNA decay. As such, this alteration is interpreted as a disease-causing mutation.

St. Jude Molecular Pathology, St. Jude Children's Research Hospital
Classification: Likely pathogenic for Familial adenomatous polyposis 4. Last evaluated: 2026-02-20. Review status: criteria provided, single submitter. Criteria: St. Jude Assertion Criteria 2020. Collection method: clinical testing. Allele origin: germline.
Comment: The MSH3 c.2191C>T p.(G ln731Ter) change is a nonsense variant that is predicted to cause premature protein truncation and loss of normal protein function. This variant is absent in gnomAD v2.1.1. This variant has been reported in somatic ti ssue of an individual with colorectal cancer (PMID: 29245953). In summary, this variant meets criteria to be classified as likely pathogenic.

Labcorp Genetics (formerly Invitae), Labcorp
Classification: Pathogenic. Last evaluated: 2025-03-26. Review status: criteria provided, single submitter. Criteria: Invitae Variant Classification Sherloc (09022015). Collection method: clinical testing. Allele origin: germline.
Comment: This sequence change creates a premature translational stop signal (p.Gln731*) in the MSH3 gene. It is expected to result in an absent or disrupted protein product. Loss-of-function variants in MSH3 are known to be pathogenic (PMID: 27476653, 37402566). This variant is not present in population databases (gnomAD no frequency). This variant has not been reported in the literature in individuals affected with MSH3-related conditions. ClinVar contains an entry for this variant (Variation ID: 2673498). Studies have shown that this premature translational stop signal is associated with inconclusive levels of altered splicing (internal data). For these reasons, this variant has been classified as Pathogenic.

Myriad Genetics, Inc.
Classification: Pathogenic for Familial adenomatous polyposis 4. Last evaluated: 2023-08-30. Review status: criteria provided, single submitter. Criteria: Myriad Autosomal Dominant, Autosomal Recessive and X-Linked Classification Criteria (2023). Collection method: clinical testing. Allele origin: unknown.
Comment: This variant is considered pathogenic. This variant creates a termination codon and is predicted to result in premature protein truncation.

Literature cited by the submitters: PubMed 27476653 (cited by Labcorp Genetics (formerly Invitae), Labcorp); PubMed 37402566 (cited by Labcorp Genetics (formerly Invitae), Labcorp).

NM_002439.5(MSH3):c.2191C>T (p.Gln731Ter)

Gene: MSH3 (mutS homolog 3; plus strand). Cytogenetic location: 5q14.1.
Variant type: single nucleotide variant.
Coding change: c.2191C>T on transcript NM_002439.5 (MANE Select); coding-DNA position 2191, C replaced by T.
Protein change: p.Gln731Ter; replaces glutamine 731 with a stop codon.
Molecular consequence: nonsense.
Genome position (GRCh38, 1-based): chr5:80,768,941, C>T. VCF-style: chr5-80768941-C-T. GRCh37 (hg19) VCF-style: chr5-80064760-C-T.
Other names: c.2191C>T (NM_002439.3); short protein forms Q731*.
Identifiers: ClinVar variation 2673498 (VCV002673498.6), dbSNP rs2112885230, ClinGen allele CA360279576.